The following is an entry in ClinVar:

NM_032043.3(BRIP1):c.2775A>C (p.Ala925=)

Gene: BRIP1 (BRCA1 interacting DNA helicase 1; minus strand). Cytogenetic location: 17q23.2.
Variant type: single nucleotide variant.
Coding change: c.2775A>C on transcript NM_032043.3 (MANE Select); coding-DNA position 2775, A replaced by C.
Protein change: p.Ala925=; no amino-acid change (alanine 925 retained).
Molecular consequence: synonymous variant.
Genome position (GRCh38, 1-based): chr17:61,685,966, T>G on the plus strand (A>C on the coding strand, the complement: BRIP1 is on the minus strand). VCF-style: chr17-61685966-T-G. GRCh37 (hg19) VCF-style: chr17-59763327-T-G.
Identifiers: ClinVar variation 479444 (VCV000479444.6), dbSNP rs1340804078, ClinGen allele CA501335715.

ClinVar aggregate classification (germline): Benign/Likely benign. Review status: criteria provided, multiple submitters, no conflicts (2 of 4 stars). 2 submissions from 2 submitters: Benign (1); Likely benign (1). Last evaluated 2024-09-06.

Conditions:
Hereditary cancer-predisposing syndrome. Also called: Neoplastic Syndromes, Hereditary; Hereditary Cancer Syndrome; Hereditary neoplastic syndrome; Tumor predisposition. Identifiers: Orphanet 140162, MedGen C0027672, MeSH D009386, MONDO:0015356.
Familial cancer of breast. Also called: BREAST CANCER, FAMILIAL; hereditary breast carcinoma; Hereditary breast cancer. Identifiers: Orphanet 227535, MedGen C0346153, MONDO:0016419, OMIM 114480. Disease mechanism: loss of function.

Allele frequency attached by ClinVar (database versions not stated): TOPMed below 0.00001; gnomAD 0.00001.
gnomAD v4.1: 1 of 1,613,966 alleles (0.000062%); highest among the groups gnomAD compares: African/African-American, 0.0013%; no homozygotes.

Submissions (2):

Myriad Genetics, Inc.
Classification: Benign for Familial cancer of breast. Last evaluated: 2024-09-06. Review status: criteria provided, single submitter. Criteria: Myriad Autosomal Dominant, Autosomal Recessive and X-Linked Classification Criteria (2023). Collection method: clinical testing. Allele origin: unknown.
Comment: This variant is considered benign. This variant is a silent/synonymous amino acid change and it is not expected to impact splicing.

Ambry Genetics
Classification: Likely benign for Hereditary cancer-predisposing syndrome. Last evaluated: 2016-09-02. Review status: criteria provided, single submitter. Criteria: Ambry Variant Classification Scheme 2023. Collection method: clinical testing. Allele origin: germline.